The following is an entry in ClinVar:

ClinVar aggregate classification (germline): Uncertain significance. Review status: criteria provided, multiple submitters, no conflicts (2 of 4 stars). 2 submissions from 2 submitters: Uncertain significance (2). Last evaluated 2025-01-27.

Conditions:
Desmin-related myofibrillar myopathy (MFM1). Also called: Desminopathy; Desmin related myopathy (former name); Desmin storage myopathy (former name); MYOFIBRILLAR MYOPATHY WITH ARRHYTHMOGENIC RIGHT VENTRICULAR CARDIOMYOPATHY; DESMIN-RELATED MYOPATHY WITH ARRHYTHMOGENIC RIGHT VENTRICULAR CARDIOMYOPATHY; Myofibrillar myopathy 1. Identifiers: Orphanet 363543, Orphanet 98909, MedGen C1832370, MONDO:0011076, OMIM 601419.
Neurogenic scapuloperoneal syndrome, Kaeser type (SCPNK). Also called: KAESER SYNDROME. Identifiers: Orphanet 85146, MedGen C1867005, MONDO:0008407, OMIM 181400.
Dilated cardiomyopathy 1I (CMD1I). Identifiers: Orphanet 154, MedGen C1858154, MONDO:0011482, OMIM 604765.

Submissions (2):

Labcorp Genetics (formerly Invitae), Labcorp
Classification: Uncertain significance for Desmin-related myofibrillar myopathy. Last evaluated: 2025-01-27. Review status: criteria provided, single submitter. Criteria: Invitae Variant Classification Sherloc (09022015). Collection method: clinical testing. Allele origin: germline.
Comment: This sequence change replaces glycine, which is neutral and non-polar, with aspartic acid, which is acidic and polar, at codon 61 of the DES protein (p.Gly61Asp). This variant is not present in population databases (gnomAD no frequency). This variant has not been reported in the literature in individuals affected with DES-related conditions. ClinVar contains an entry for this variant (Variation ID: 1008196). Invitae Evidence Modeling of protein sequence and biophysical properties (such as structural, functional, and spatial information, amino acid conservation, physicochemical variation, residue mobility, and thermodynamic stability) has been performed for this missense variant. However, the output from this modeling did not meet the statistical confidence thresholds required to predict the impact of this variant on DES protein function. In summary, the available evidence is currently insufficient to determine the role of this variant in disease. Therefore, it has been classified as a Variant of Uncertain Significance.

Fulgent Genetics
Classification: Uncertain significance for Neurogenic scapuloperoneal syndrome, Kaeser type; Desmin-related myofibrillar myopathy; Dilated cardiomyopathy 1I. Last evaluated: 2021-07-08. Review status: criteria provided, single submitter. Criteria: ACMG Guidelines, 2015. Collection method: clinical testing. Allele origin: unknown.

NM_001927.4(DES):c.182G>A (p.Gly61Asp)

Gene: DES (desmin; plus strand). Cytogenetic location: 2q35.
Variant type: single nucleotide variant.
Coding change: c.182G>A on transcript NM_001927.4 (MANE Select); coding-DNA position 182, G replaced by A.
Protein change: p.Gly61Asp; replaces glycine 61 with aspartic acid.
Molecular consequence: missense variant.
Genome position (GRCh38, 1-based): chr2:219,418,644, G>A. VCF-style: chr2-219418644-G-A. GRCh37 (hg19) VCF-style: chr2-220283366-G-A.
Other names: c.182G>A, p.Gly61Asp (NM_001382709.1, NM_001382710.1, NM_001382711.1 and 3 more transcripts); short protein forms G61D.
Identifiers: ClinVar variation 1008196 (VCV001008196.11), dbSNP rs1447436485, ClinGen allele CA350683705.
Genomic context (GRCh38, chr2:219,418,644, plus strand): 5'-GCTCTAAGGGCTCCTCCAGCTCGGTGACGTCCCGCGTGTACCAGGTGTCGCGCACGTCGG[G>A]CGGGGCCGGGGGCCTGGGGTCGCTGCGGGCCAGCCGGCTGGGGACCACCCGCACGCCCTC-3'
Protein context (NP_001918.3, residues 51-71): SRVYQVSRTS[Gly61Asp]GAGGLGSLRA